The following is an entry in ClinVar:

ClinVar aggregate classification (germline): Uncertain significance (1 of 4 stars; one submission).

Submission:

Labcorp Genetics (formerly Invitae), Labcorp
Classification: Uncertain significance. Last evaluated: 2023-10-13. Review status: criteria provided, single submitter. Criteria: Invitae Variant Classification Sherloc (09022015). Collection method: clinical testing. Allele origin: germline.
Comment: This sequence change replaces isoleucine, which is neutral and non-polar, with valine, which is neutral and non-polar, at codon 174 of the LARS2 protein (p.Ile174Val). This variant is not present in population databases (gnomAD no frequency). This variant has not been reported in the literature in individuals affected with LARS2-related conditions. ClinVar contains an entry for this variant (Variation ID: 1471491). Advanced modeling of protein sequence and biophysical properties (such as structural, functional, and spatial information, amino acid conservation, physicochemical variation, residue mobility, and thermodynamic stability) performed at Invitae indicates that this missense variant is not expected to disrupt LARS2 protein function. In summary, the available evidence is currently insufficient to determine the role of this variant in disease. Therefore, it has been classified as a Variant of Uncertain Significance.

NM_015340.4(LARS2):c.520A>G (p.Ile174Val)

Gene: LARS2 (leucyl-tRNA synthetase 2, mitochondrial; plus strand). Cytogenetic location: 3p21.31.
Variant type: single nucleotide variant.
Coding change: c.520A>G on transcript NM_015340.4 (MANE Select); coding-DNA position 520, A replaced by G.
Protein change: p.Ile174Val; replaces isoleucine 174 with valine.
Molecular consequence: missense variant.
Genome position (GRCh38, 1-based): chr3:45,446,894, A>G. VCF-style: chr3-45446894-A-G. GRCh37 (hg19) VCF-style: chr3-45488386-A-G.
Other names: c.520A>G, p.Ile174Val (NM_001368263.1); short protein forms I174V.
Identifiers: ClinVar variation 1471491 (VCV001471491.8), dbSNP rs2125704198, ClinGen allele CA352977562.